The following is an entry in ClinVar:

ClinVar aggregate classification (germline): Uncertain significance. Review status: criteria provided, multiple submitters, no conflicts (2 of 4 stars). 10 submissions from 10 submitters: Uncertain significance (6). 4 of the submissions do not count toward it. Last evaluated 2025-03-07.

Conditions:
Combined immunodeficiency due to LRBA deficiency. Also called: Common variable immunodeficiency 8, with autoimmunity. Identifiers: Orphanet 445018, MedGen C3553512, MONDO:0013863, OMIM 614700.
LRBA-related disorder. Also called: LRBA-related condition.

Allele frequency attached by ClinVar (database versions not stated): ExAC 0.00016; gnomAD exomes 0.00021; TOPMed 0.00027; gnomAD 0.00036 and 0.00038; ESP Exome Variant Server 0.00046.
gnomAD v4.1: 638 of 1,607,852 alleles (0.04%); highest among the groups gnomAD compares: Non-Finnish European, 0.052%; no homozygotes.

Submissions (10):

ARUP Laboratories, Molecular Genetics and Genomics, ARUP Laboratories
Classification: Uncertain significance for Combined immunodeficiency due to LRBA deficiency. Last evaluated: 2025-03-07. Review status: criteria provided, single submitter. Criteria: ARUP Molecular Germline Variant Investigation Process 2024. Collection method: clinical testing. Allele origin: germline.
Comment: The LRBA c.1771T>C; p.Tyr591His variant (rs138890467), to our knowledge, is not reported in the medical literature but is reported in ClinVar (Variation ID: 636373). This variant is found in the general population with an overall allele frequency of 0.02% (57/276,114 alleles) in the Genome Aggregation Database (v2.1.1). Computational analyses are uncertain whether this variant is neutral or deleterious (REVEL: 0.577). Due to limited information, the clinical significance of this variant is uncertain at this time.

Blueprint Genetics
Classification: Uncertain significance. Last evaluated: 2024-11-19. Review status: criteria provided, single submitter. Criteria: ACMG Guidelines, 2015. Collection method: clinical testing. Allele origin: germline.

Mayo Clinic Laboratories, Mayo Clinic
Classification: Uncertain significance. Last evaluated: 2024-02-08. Review status: criteria provided, single submitter. Criteria: ACMG Guidelines, 2015. Collection method: clinical testing. Allele origin: germline. Observed: 1 variant allele.

Labcorp Genetics (formerly Invitae), Labcorp
Classification: Uncertain significance for Combined immunodeficiency due to LRBA deficiency. Last evaluated: 2022-09-13. Review status: criteria provided, single submitter. Criteria: Invitae Variant Classification Sherloc (09022015). Collection method: clinical testing. Allele origin: germline.
Comment: This sequence change replaces tyrosine, which is neutral and polar, with histidine, which is basic and polar, at codon 591 of the LRBA protein (p.Tyr591His). This variant is present in population databases (rs138890467, gnomAD 0.04%). This variant has not been reported in the literature in individuals affected with LRBA-related conditions. ClinVar contains an entry for this variant (Variation ID: 636373). Advanced modeling of protein sequence and biophysical properties (such as structural, functional, and spatial information, amino acid conservation, physicochemical variation, residue mobility, and thermodynamic stability) performed at Invitae indicates that this missense variant is expected to disrupt LRBA protein function. In summary, the available evidence is currently insufficient to determine the role of this variant in disease. Therefore, it has been classified as a Variant of Uncertain Significance.

CeGaT Center for Human Genetics Tuebingen
Classification: Uncertain significance. Last evaluated: 2022-04-01. Review status: criteria provided, single submitter. Criteria: CeGaT Center For Human Genetics Tuebingen Variant Classification Criteria Version 2. Collection method: clinical testing. Allele origin: germline. Affected: yes. Observed: 2 variant alleles.

Johns Hopkins Genomics, Johns Hopkins University
Classification: Uncertain significance for Combined immunodeficiency due to LRBA deficiency. Last evaluated: 2021-05-18. Review status: criteria provided, single submitter. Criteria: ACMG Guidelines, 2015. Collection method: clinical testing. Allele origin: germline.
Comment: This LRBA variant (rs138890467) is rare (<0.1%) in a large population dataset (gnomAD: 57/276114 total alleles, 0.02%, no homozygotes) and has an entry in ClinVar. Three bioinformatic tools queried predict that this substitution would be damaging, and the tyrosine residue at this position is strongly conserved across all vertebrate species assessed. This variant is not predicted to affect normal exon 14 splicing, although this has not been confirmed experimentally to our knowledge. This variant alone is not expected to cause CVID. Due to insufficient evidence we consider the clinical significance of c.1771T>C to be uncertain at this time.

PreventionGenetics, part of Exact Sciences
Classification: Uncertain significance for LRBA-related condition. Last evaluated: 2024-05-21. Review status: no assertion criteria provided. Collection method: clinical testing. Allele origin: germline. Not counted in ClinVar's aggregate classification.
Comment: The LRBA c.1771T>C variant is predicted to result in the amino acid substitution p.Tyr591His. To our knowledge, this variant has not been reported in the literature. This variant is reported in 0.039% of alleles in individuals of European (non-Finnish) descent in gnomAD. At this time, the clinical significance of this variant is uncertain due to the absence of conclusive functional and genetic evidence.

Clinical Genetics DNA and cytogenetics Diagnostics Lab, Erasmus MC, Erasmus Medical Center
Classification: Uncertain significance. Review status: no assertion criteria provided. Collection method: clinical testing. Allele origin: germline. Affected: yes. Study: VKGL Data-share Consensus. Not counted in ClinVar's aggregate classification.

Diagnostic Laboratory, Department of Genetics, University Medical Center Groningen
Classification: Uncertain significance. Review status: no assertion criteria provided. Collection method: clinical testing. Allele origin: germline. Affected: yes. Study: VKGL Data-share Consensus. Not counted in ClinVar's aggregate classification.

Genome Diagnostics Laboratory, Amsterdam University Medical Center
Classification: Uncertain significance. Review status: no assertion criteria provided. Collection method: clinical testing. Allele origin: germline. Affected: yes. Study: VKGL Data-share Consensus. Not counted in ClinVar's aggregate classification.

Literature cited by the submitters: PubMed 22608502 (cited by Johns Hopkins Genomics, Johns Hopkins University); PubMed 22721650 (cited by Johns Hopkins Genomics, Johns Hopkins University); PubMed 25468195 (cited by Johns Hopkins Genomics, Johns Hopkins University).

NM_001364905.1(LRBA):c.1771T>C (p.Tyr591His)

Gene: LRBA (LPS responsive beige-like anchor protein; minus strand). Cytogenetic location: 4q31.3.
Variant type: single nucleotide variant.
Coding change: c.1771T>C on transcript NM_001364905.1 (MANE Select); coding-DNA position 1771, T replaced by C.
Protein change: p.Tyr591His; replaces tyrosine 591 with histidine.
Molecular consequence: missense variant.
Genome position (GRCh38, 1-based): chr4:150,900,202, A>G on the plus strand (T>C on the coding strand, the complement: LRBA is on the minus strand). VCF-style: chr4-150900202-A-G. GRCh37 (hg19) VCF-style: chr4-151821354-A-G.
Other names: p.Tyr591His; c.1771T>C, p.Tyr591His (NM_001199282.3, NM_001367550.1, NM_006726.5); short protein forms Y591H.
Identifiers: ClinVar variation 636373 (VCV000636373.47), dbSNP rs138890467, ClinGen allele CA3103474.